The following is an entry in ClinVar:

NM_002291.3(LAMB1):c.3019G>A (p.Glu1007Lys)

Gene: LAMB1 (laminin subunit beta 1; minus strand). Cytogenetic location: 7q31.1.
Variant type: single nucleotide variant.
Coding change: c.3019G>A on transcript NM_002291.3 (MANE Select); coding-DNA position 3019, G replaced by A.
Protein change: p.Glu1007Lys; replaces glutamic acid 1007 with lysine.
Molecular consequence: missense variant.
Genome position (GRCh38, 1-based): chr7:107,953,590, C>T on the plus strand (G>A on the coding strand, the complement: LAMB1 is on the minus strand). VCF-style: chr7-107953590-C-T. GRCh37 (hg19) VCF-style: chr7-107594035-C-T.
Other names: c.3019G>A (NM_002291.2); short protein forms E1007K.
Identifiers: ClinVar variation 1970584 (VCV001970584.6), dbSNP rs777303196, ClinGen allele CA4435460.

ClinVar aggregate classification (germline): Uncertain significance. Review status: criteria provided, multiple submitters, no conflicts (2 of 4 stars). 2 submissions from 2 submitters: Uncertain significance (2). Last evaluated 2025-06-24.

Conditions:
Inborn genetic diseases. Identifiers: MedGen C0950123, MeSH D030342.

Allele frequency attached by ClinVar (database versions not stated): gnomAD exomes below 0.00001; ExAC 0.00001; gnomAD 0.00001; TOPMed 0.00001.
gnomAD v4.1: 8 of 1,614,098 alleles (0.0005%); highest among the groups gnomAD compares: Non-Finnish European, 0.00068%; no homozygotes.

Submissions (2):

Ambry Genetics
Classification: Uncertain significance for Inborn genetic diseases. Last evaluated: 2025-06-24. Review status: criteria provided, single submitter. Criteria: Ambry Variant Classification Scheme 2023. Collection method: clinical testing. Allele origin: germline.

Labcorp Genetics (formerly Invitae), Labcorp
Classification: Uncertain significance. Last evaluated: 2023-10-13. Review status: criteria provided, single submitter. Criteria: Invitae Variant Classification Sherloc (09022015). Collection method: clinical testing. Allele origin: germline.
Comment: This sequence change replaces glutamic acid, which is acidic and polar, with lysine, which is basic and polar, at codon 1007 of the LAMB1 protein (p.Glu1007Lys). This variant is present in population databases (rs777303196, gnomAD 0.003%). This variant has not been reported in the literature in individuals affected with LAMB1-related conditions. ClinVar contains an entry for this variant (Variation ID: 1970584). An algorithm developed to predict the effect of missense changes on protein structure and function (PolyPhen-2) suggests that this variant is likely to be tolerated. In summary, the available evidence is currently insufficient to determine the role of this variant in disease. Therefore, it has been classified as a Variant of Uncertain Significance.